The following is an entry in ClinVar:

ClinVar aggregate classification (germline): Likely pathogenic (1 of 4 stars; one submission).

Conditions:
Xeroderma pigmentosum (XP). Identifiers: Orphanet 910, MedGen C0043346, MONDO:0019600.

Submission:

Women's Health and Genetics/Laboratory Corporation of America, LabCorp
Classification: Likely pathogenic for Xeroderma pigmentosum. Last evaluated: 2022-05-04. Review status: criteria provided, single submitter. Criteria: LabCorp Variant Classification Summary - May 2015. Collection method: clinical testing. Allele origin: germline.
Comment: Variant summary: XPA c.673+1G>A alters a conserved nucleotide located in a canonical splice-site and is predicted to affect mRNA splicing resulting in a significantly altered protein due to either exon skipping, shortening, or inclusion of intronic material. Several computational tools predict a significant impact on normal splicing: Four predict the variant abolishes the canonical 5' splicing donor site. However, these predictions have yet to be confirmed by functional studies. The variant was absent in 251192 control chromosomes. To our knowledge, no occurrence of c.673+1G>A in individuals affected with Xeroderma Pigmentosum and no experimental evidence demonstrating its impact on protein function have been reported. No clinical diagnostic laboratories have submitted clinical-significance assessments for this variant to ClinVar after 2014. Based on the evidence outlined above, the variant was classified as likely pathogenic.

NM_000380.4(XPA):c.673+1G>A

Gene: XPA (XPA, DNA damage recognition and repair factor; minus strand). Cytogenetic location: 9q22.33.
Variant type: single nucleotide variant.
Coding change: c.673+1G>A on transcript NM_000380.4 (MANE Select); the canonical splice donor site of the intron after coding-DNA position 673, G replaced by A.
Molecular consequence: splice donor variant.
Genome position (GRCh38, 1-based): chr9:97,684,922, C>T on the plus strand (G>A on the coding strand, the complement: XPA is on the minus strand). VCF-style: chr9-97684922-C-T. GRCh37 (hg19) VCF-style: chr9-100447204-C-T.
Other names: c.547+1G>A (NM_001354975.2).
Identifiers: ClinVar variation 1696126 (VCV001696126.1), dbSNP rs2131393093, ClinGen allele CA374186799.
Genomic context (GRCh38, chr9:97,684,922, plus strand): 5'-TAAAGGCTTTTTGCAAAATGGTAAAACACAATCCTTCACGATATAAAATGTGGCCATCTA[C>T]CTTTTACTTTTTTATCAAATTTCTTCTGTTTCATTTTTTCTCGGTTTTCCTGTCGGACTT-3'